The following is an entry in ClinVar:

NM_000216.4(ANOS1):c.1897del (p.Glu633fs)

Gene: ANOS1 (anosmin 1; minus strand). Cytogenetic location: Xp22.31.
Variant type: Deletion.
Coding change: c.1897del on transcript NM_000216.4 (MANE Select); coding-DNA position 1897, one base deleted (G; older notation c.1897delG).
Protein change: p.Glu633fs; shifts the reading frame from glutamic acid 633.
Molecular consequence: frameshift variant.
Genome position (GRCh38, 1-based): chrX:8,534,406, C deleted on the plus strand (G on the coding strand, the reverse complement: ANOS1 is on the minus strand); the first of 2 consecutive C bases (chrX:8,534,406-8,534,407); deleting either gives the same sequence. VCF-style (leftmost placement, unchanged base first): chrX-8534405-TC-T. GRCh37 (hg19) VCF-style: chrX-8502446-TC-T.
Other names: c.1897delG (NM_000216.4); short protein forms E633fs.
Identifiers: ClinVar variation 3895758 (VCV003895758.1).

ClinVar aggregate classification (germline): Pathogenic (1 of 4 stars; one submission).

Conditions:
Hypogonadotropic hypogonadism 1 with or without anosmia (HH1). Also called: HYPOGONADOTROPIC HYPOGONADISM AND ANOSMIA; Kallmann syndrome, type 1, X-linked; DYSPLASIA OLFACTOGENITALIS OF DE MORSIER; Hypogonadotropic hypogonadism 1 with or without anosmia (Kallmann syndrome 1); HYPOGONADOTROPIC HYPOGONADISM 1 WITH ANOSMIA; KAL1-Related GnRH Deficiency (Kallmann Syndrome 1; Kallmann Syndrome, X-Linked). Identifiers: Orphanet 478, MedGen C1563719, MONDO:0010635, OMIM 308700. Disease mechanism: loss of function.

Submission:

Women's Health and Genetics/Laboratory Corporation of America, LabCorp
Classification: Pathogenic for Hypogonadotropic hypogonadism 1 with or without anosmia. Last evaluated: 2025-03-10. Review status: criteria provided, single submitter. Criteria: LabCorp Variant Classification Summary - May 2015. Collection method: clinical testing. Allele origin: germline.
Comment: Variant summary: ANOS1 c.1897delG (p.Glu633LysfsX5) results in a premature termination codon, predicted to cause a truncation of the encoded protein or absence of the protein due to nonsense mediated decay, which are commonly known mechanisms for disease. The variant was absent in 182830 control chromosomes. To our knowledge, no occurrence of c.1897delG in individuals affected with Hypogonadotropic Hypogonadism 1 With Or Without Anosmia and no experimental evidence demonstrating its impact on protein function have been reported. No submitters have cited clinical-significance assessments for this variant to ClinVar. Based on the evidence outlined above, the variant was classified as pathogenic.